The following is an entry in ClinVar:

ClinVar aggregate classification (germline): Uncertain significance (1 of 4 stars; one submission).

Submission:

GeneDx
Classification: Uncertain significance. Last evaluated: 2022-12-29. Review status: criteria provided, single submitter. Criteria: GeneDx Variant Classification Process June 2021. Collection method: clinical testing. Allele origin: germline. Affected: yes.
Comment: Not observed at significant frequency in large population cohorts (gnomAD); In silico analysis supports that this missense variant does not alter protein structure/function; Has not been previously published as pathogenic or benign to our knowledge

NM_004168.4(SDHA):c.1609G>C (p.Gly537Arg)

Gene: SDHA (succinate dehydrogenase complex flavoprotein subunit A; plus strand). Cytogenetic location: 5p15.33.
Variant type: single nucleotide variant.
Coding change: c.1609G>C on transcript NM_004168.4 (MANE Select); coding-DNA position 1609, G replaced by C.
Protein change: p.Gly537Arg; replaces glycine 537 with arginine.
Molecular consequence: missense variant. On other transcripts: intron variant (1).
Genome position (GRCh38, 1-based): chr5:251,049, G>C. VCF-style: chr5-251049-G-C. GRCh37 (hg19) VCF-style: chr5-251164-G-C.
Other names: c.1465G>C, p.Gly489Arg (NM_001294332.2); c.1552-3344G>C (NM_001330758.2); short protein forms G489R, G537R.
Identifiers: ClinVar variation 2571829 (VCV002571829.1), dbSNP rs1736789994, ClinGen allele CA358998565.